The following is an entry in ClinVar:

NM_001283009.2(RTEL1):c.2141+5G>A

Genes: RTEL1 (regulator of telomere elongation helicase 1; plus strand), RTEL1-TNFRSF6B (RTEL1-TNFRSF6B readthrough (NMD candidate); plus strand). Cytogenetic location: 20q13.33.
Variant type: single nucleotide variant.
Coding change: c.2141+5G>A on transcript NM_001283009.2 (MANE Select); 5 bases into the intron after coding-DNA position 2141, G replaced by A.
Molecular consequence: intron variant.
Genome position (GRCh38, 1-based): chr20:63,689,870, G>A. VCF-style: chr20-63689870-G-A. GRCh37 (hg19) VCF-style: chr20-62321223-G-A.
Other names: IVS24DS, G-A, +5; c.1472+5G>A (NM_001283010.1); c.2213+5G>A (NM_032957.5); c.2141+5G>A (NM_016434.4).
Identifiers: ClinVar variation 65415 (VCV000065415.7), dbSNP rs398123050, ClinGen allele CA144783.

ClinVar aggregate classification (germline): Conflicting classifications of pathogenicity. Review status: criteria provided, conflicting classifications (1 of 4 stars). 5 submissions from 5 submitters: Likely pathogenic (2); Uncertain significance (1). 2 of the submissions do not count toward it. Last evaluated 2025-10-11.

Conditions:
Dyskeratosis congenita, autosomal recessive 5 (DKCB5). Identifiers: MedGen C3554656, MONDO:0014076, OMIM 615190.
Pulmonary fibrosis and/or bone marrow failure, Telomere-related, 3. Also called: PULMONARY FIBROSIS AND/OR BONE MARROW FAILURE SYNDROME, TELOMERE-RELATED, 3. Identifiers: Orphanet 2032, MedGen C4225346, MONDO:0014613, OMIM 616373.

Allele frequency attached by ClinVar (database versions not stated): TOPMed below 0.00001; ExAC 0.00002.
gnomAD v4.1: 4 of 1,604,026 alleles (0.00025%); highest among the groups gnomAD compares: Non-Finnish European, 0.00034%; no homozygotes.

Submissions (5):

Labcorp Genetics (formerly Invitae), Labcorp
Classification: Uncertain significance for Dyskeratosis congenita, autosomal recessive 5; Pulmonary fibrosis and/or bone marrow failure, Telomere-related, 3. Last evaluated: 2025-10-11. Review status: criteria provided, single submitter. Criteria: Invitae Variant Classification Sherloc (09022015). Collection method: clinical testing. Allele origin: germline.
Comment: This sequence change falls in intron 24 of the RTEL1 gene. It does not directly change the encoded amino acid sequence of the RTEL1 protein. It affects a nucleotide within the consensus splice site. This variant is not present in population databases (gnomAD no frequency). This variant has been observed in individual(s) with clinical features of dyskeratosis congenita spectrum disorders (PMID: 23591994, 35719373). This variant is also known as IVS24 +5G>A. ClinVar contains an entry for this variant (Variation ID: 65415). Variants that disrupt the consensus splice site are a relatively common cause of aberrant splicing (PMID: 17576681, 9536098). Algorithms developed to predict the effect of sequence changes on RNA splicing suggest that this variant may disrupt the consensus splice site. In summary, the available evidence is currently insufficient to determine the role of this variant in disease. Therefore, it has been classified as a Variant of Uncertain Significance.

Baylor Genetics
Classification: Likely pathogenic for Dyskeratosis congenita, autosomal recessive 5. Last evaluated: 2023-10-15. Review status: criteria provided, single submitter. Criteria: ACMG Guidelines, 2015. Collection method: clinical testing. Allele origin: unknown.

3billion
Classification: Likely pathogenic for Dyskeratosis congenita, autosomal recessive 5. Last evaluated: 2021-10-02. Review status: criteria provided, single submitter. Criteria: ACMG Guidelines, 2015. Collection method: clinical testing. Allele origin: paternal. Affected: yes. Observed: 1 heterozygote.
Comment: It is observed at an extremely low frequency in the gnomAD v2.1.1 dataset (total allele frequency: 0.0000042, PM2). The variant is in trans with the other variant (NM_032957.4:c.3725-143G>C, billion dataset, PM3_P). Patient's phenotype is considered compatible with Dyskeratosis congenita, autosomal recessive 5 (3billion dataset, PP4). The variant has been reported as disease causing in patient with genomic instablility and abnormal short telomerase (PMID: 23591994). Therefore, this variant is classified as likely pathogenic according to the recommendation of ACMG/AMP guideline.

Counsyl
Classification: Uncertain significance for Dyskeratosis congenita, autosomal recessive 5. Last evaluated: 2017-09-13. Review status: no assertion criteria provided. Collection method: clinical testing. Allele origin: unknown. Not counted in ClinVar's aggregate classification.

OMIM
Classification: Pathogenic for DYSKERATOSIS CONGENITA, AUTOSOMAL RECESSIVE 5. Last evaluated: 2013-08-15. Review status: no assertion criteria provided. Collection method: literature only. Allele origin: germline. Not counted in ClinVar's aggregate classification.

Literature cited by the submitters: PubMed 23591994 (cited by 4 submitters); PubMed 35719373 (cited by Labcorp Genetics (formerly Invitae), Labcorp); PubMed 17576681 (cited by Labcorp Genetics (formerly Invitae), Labcorp); PubMed 9536098 (cited by Labcorp Genetics (formerly Invitae), Labcorp); PubMed 28507545 (cited by Counsyl).